The following is an entry in ClinVar:

ClinVar aggregate classification (germline): Uncertain significance (1 of 4 stars; one submission).

Conditions:
Nephrotic syndrome. Identifiers: MedGen C0027726, MONDO:0005377, HP:0000100.

gnomAD v4.1: 2 of 1,614,084 alleles (0.00012%); highest among the groups gnomAD compares: South Asian, 0.0011%; no homozygotes.

Submission:

Victorian Clinical Genetics Services, Murdoch Childrens Research Institute
Classification: Uncertain significance for Nephrotic syndrome. Last evaluated: 2021-05-06. Review status: criteria provided, single submitter. Criteria: ACMG Guidelines, 2015. Collection method: clinical testing. Allele origin: germline.
Comment: Based on the classification scheme VCGS_Germline_v1.3.4, this variant is classified as VUS-3C. Following criteria are met: 0102 - Loss of function is a known mechanism of disease in this gene and is associated with PODXL-related renal disease. (I) 0108 - This gene is associated with both recessive and dominant disease. Only a single patient with biallelic variants and congenital nephrotic syndrome has been reported, where the carrier parents were noted to be healthy (PMID: 29244787). (I) 0200 - Variant is predicted to result in a missense amino acid change from proline to serine. (I) 0251 - This variant is heterozygous. (I) 0301 - Variant is absent from gnomAD (both v2 and v3). (SP) 0309 - An alternative amino acid change at the same position has been observed in gnomAD (v2) (1 heterozygote, 0 homozygotes). (I) 0504 - Same amino acid change has been observed in placental mammals. (SB) 0604 - Variant is not located in an established domain, motif, hotspot or informative constraint region. (I) 0705 - No comparable missense variants have previous evidence for pathogenicity. (I) 0807 - This variant has no previous evidence of pathogenicity. (I) 0905 - No published segregation evidence has been identified for this variant. (I) 1007 - No published functional evidence has been identified for this variant. (I) 1208 - Inheritance information for this variant is not currently available in this individual. (I) Legend: (SP) - Supporting pathogenic, (I) - Information, (SB) - Supporting benign

Literature cited by the submitters: PubMed 29244787; PubMed 30523047.

NM_001018111.3(PODXL):c.922C>T (p.Pro308Ser)

Gene: PODXL (podocalyxin like; minus strand). Cytogenetic location: 7q32.3.
Variant type: single nucleotide variant.
Coding change: c.922C>T on transcript NM_001018111.3 (MANE Select); coding-DNA position 922, C replaced by T.
Protein change: p.Pro308Ser; replaces proline 308 with serine.
Molecular consequence: missense variant.
Genome position (GRCh38, 1-based): chr7:131,509,466, G>A on the plus strand (C>T on the coding strand, the complement: PODXL is on the minus strand). VCF-style: chr7-131509466-G-A. GRCh37 (hg19) VCF-style: chr7-131194225-G-A.
Other names: c.826C>T, p.Pro276Ser (NM_005397.4); short protein forms P276S, P308S.
Identifiers: ClinVar variation 3377478 (VCV003377478.1).